The following is an entry in ClinVar:

ClinVar aggregate classification (germline): Conflicting classifications of pathogenicity. Review status: criteria provided, conflicting classifications (1 of 4 stars). 3 submissions from 3 submitters: Uncertain significance (2); Likely benign (1). Last evaluated 2025-05-06.

Conditions:
Developmental delay, hypotonia, musculoskeletal defects, and behavioral abnormalities. Identifiers: MedGen C5562012, MONDO:0859202, OMIM 619595.
Floating-Harbor syndrome (FLHS). Also called: Short stature with delayed bone age, expressive language delay, a triangular face with a prominent nose and deep-set eyes; Pelletier-Leisti syndrome; SRCAP-Related Floating-Harbor Syndrome. Identifiers: Orphanet 2044, MedGen C0729582, MONDO:0007621, OMIM 136140.
Inborn genetic diseases. Identifiers: MedGen C0950123, MeSH D030342.

Allele frequency attached by ClinVar (database versions not stated): TOPMed 0.00001; gnomAD 0.00002; gnomAD exomes 0.00003; ExAC 0.00004.
gnomAD v4.1: 42 of 1,594,174 alleles (0.0026%); highest among the groups gnomAD compares: East Asian, 0.011%; no homozygotes.

Submissions (3):

Ambry Genetics
Classification: Uncertain significance for Inborn genetic diseases. Last evaluated: 2025-05-06. Review status: criteria provided, single submitter. Criteria: Ambry Variant Classification Scheme 2023. Collection method: clinical testing. Allele origin: germline.

Fulgent Genetics
Classification: Likely benign for Floating-Harbor syndrome; Developmental delay, hypotonia, musculoskeletal defects, and behavioral abnormalities. Last evaluated: 2024-01-14. Review status: criteria provided, single submitter. Criteria: ACMG Guidelines, 2015. Collection method: clinical testing. Allele origin: germline.

Labcorp Genetics (formerly Invitae), Labcorp
Classification: Uncertain significance. Last evaluated: 2023-01-14. Review status: criteria provided, single submitter. Criteria: Invitae Variant Classification Sherloc (09022015). Collection method: clinical testing. Allele origin: germline.
Comment: In summary, the available evidence is currently insufficient to determine the role of this variant in disease. Therefore, it has been classified as a Variant of Uncertain Significance. Advanced modeling of protein sequence and biophysical properties (such as structural, functional, and spatial information, amino acid conservation, physicochemical variation, residue mobility, and thermodynamic stability) performed at Invitae indicates that this missense variant is not expected to disrupt SRCAP protein function. This variant has not been reported in the literature in individuals affected with SRCAP-related conditions. This variant is present in population databases (rs748575974, gnomAD 0.03%). This sequence change replaces arginine, which is basic and polar, with glutamine, which is neutral and polar, at codon 3189 of the SRCAP protein (p.Arg3189Gln).

NM_006662.3(SRCAP):c.9566G>A (p.Arg3189Gln)

Gene: SRCAP (Snf2 related CREBBP activator protein; plus strand). Cytogenetic location: 16p11.2.
Variant type: single nucleotide variant.
Coding change: c.9566G>A on transcript NM_006662.3 (MANE Select); coding-DNA position 9566, G replaced by A.
Protein change: p.Arg3189Gln; replaces arginine 3189 with glutamine.
Molecular consequence: missense variant.
Genome position (GRCh38, 1-based): chr16:30,739,606, G>A. VCF-style: chr16-30739606-G-A. GRCh37 (hg19) VCF-style: chr16-30750927-G-A.
Other names: c.9566G>A (NM_006662.2); short protein forms R3189Q.
Identifiers: ClinVar variation 2885635 (VCV002885635.5), dbSNP rs748575974, ClinGen allele CA8012953.